The following is an entry in ClinVar:

NM_000170.3(GLDC):c.1940C>G (p.Pro647Arg)

Gene: GLDC (glycine decarboxylase; minus strand). Cytogenetic location: 9p24.1.
Variant type: single nucleotide variant.
Coding change: c.1940C>G on transcript NM_000170.3 (MANE Select); coding-DNA position 1940, C replaced by G.
Protein change: p.Pro647Arg; replaces proline 647 with arginine.
Molecular consequence: missense variant.
Genome position (GRCh38, 1-based): chr9:6,558,671, G>C on the plus strand (C>G on the coding strand, the complement: GLDC is on the minus strand). VCF-style: chr9-6558671-G-C. GRCh37 (hg19) VCF-style: chr9-6558671-G-C.
Other names: short protein forms P647R.
Identifiers: ClinVar variation 3720875 (VCV003720875.2).

ClinVar aggregate classification (germline): Likely pathogenic (1 of 4 stars; one submission).

Conditions:
Glycine encephalopathy. Also called: Nonketotic hyperglycinemia; Non-ketotic hyperglycinemia. Identifiers: Orphanet 407, MedGen C0751748, MONDO:0011612, HP:0008288.

Submission:

Labcorp Genetics (formerly Invitae), Labcorp
Classification: Likely pathogenic for Glycine encephalopathy. Last evaluated: 2024-04-16. Review status: criteria provided, single submitter. Criteria: Invitae Variant Classification Sherloc (09022015). Collection method: clinical testing. Allele origin: germline.
Comment: This sequence change replaces proline, which is neutral and non-polar, with arginine, which is basic and polar, at codon 647 of the GLDC protein (p.Pro647Arg). This variant is not present in population databases (gnomAD no frequency). This missense change has been observed in individual(s) with non-ketotic hyperglycinemia (PMID: 27362913). In at least one individual the data is consistent with being in trans (on the opposite chromosome) from a pathogenic variant. Advanced modeling of protein sequence and biophysical properties (such as structural, functional, and spatial information, amino acid conservation, physicochemical variation, residue mobility, and thermodynamic stability) performed at Invitae indicates that this missense variant is expected to disrupt GLDC protein function with a positive predictive value of 80%. In summary, the currently available evidence indicates that the variant is pathogenic, but additional data are needed to prove that conclusively. Therefore, this variant has been classified as Likely Pathogenic.

Literature cited by the submitters: PubMed 27362913.